The following is an entry in ClinVar:

ClinVar aggregate classification (germline): Uncertain significance. Review status: criteria provided, multiple submitters, no conflicts (2 of 4 stars). 2 submissions from 2 submitters: Uncertain significance (2). Last evaluated 2025-08-14.

Conditions:
Treacher Collins syndrome 1 (TCS1). Also called: TCOF1-Related Treacher Collins Syndrome. Identifiers: Orphanet 861, MedGen CN315775, MONDO:0007944, OMIM 154500.
Inborn genetic diseases. Identifiers: MedGen C0950123, MeSH D030342.

Allele frequency attached by ClinVar (database versions not stated): gnomAD 0.00003; gnomAD exomes 0.00004 and 0.00005; ExAC 0.00005; TOPMed 0.00006; ESP Exome Variant Server 0.00008.
gnomAD v4.1: 83 of 1,613,632 alleles (0.0051%); highest among the groups gnomAD compares: Non-Finnish European, 0.0066%; no homozygotes.

Submissions (2):

GeneDx
Classification: Uncertain significance. Last evaluated: 2025-08-14. Review status: criteria provided, single submitter. Criteria: GeneDx Variant Classification Process June 2021. Collection method: clinical testing. Allele origin: germline. Affected: yes.
Comment: In silico analysis suggests that this missense variant does not alter protein structure/function; Has not been previously published as pathogenic or benign to our knowledge

Ambry Genetics
Classification: Uncertain significance for Inborn genetic diseases. Last evaluated: 2024-01-03. Review status: criteria provided, single submitter. Criteria: Ambry Variant Classification Scheme 2023. Collection method: clinical testing. Allele origin: germline.

NM_001371623.1(TCOF1):c.1598C>T (p.Thr533Ile)

Gene: TCOF1 (treacle ribosome biogenesis factor 1; plus strand). Cytogenetic location: 5q32.
Variant type: single nucleotide variant.
Coding change: c.1598C>T on transcript NM_001371623.1 (MANE Select); coding-DNA position 1598, C replaced by T.
Protein change: p.Thr533Ile; replaces threonine 533 with isoleucine.
Molecular consequence: missense variant.
Genome position (GRCh38, 1-based): chr5:150,375,448, C>T. VCF-style: chr5-150375448-C-T. GRCh37 (hg19) VCF-style: chr5-149755011-C-T.
Other names: c.1367C>T, p.Thr456Ile (NM_000356.4, NM_001135245.2); c.1598C>T, p.Thr533Ile (NM_001008657.3, NM_001135243.2, NM_001135244.2 and 1 more transcripts); short protein forms T533I, T456I.
Identifiers: ClinVar variation 352209 (VCV000352209.4), dbSNP rs377521530, ClinGen allele CA3510927.